The following is an entry in ClinVar:

NM_032638.5(GATA2):c.817_818del (p.Gly273fs)

Gene: GATA2 (GATA binding protein 2; minus strand). Cytogenetic location: 3q21.3.
Variant type: Deletion.
Coding change: c.817_818del on transcript NM_032638.5 (MANE Select); coding-DNA positions 817 to 818, 2 bases deleted (GG; older notation c.817_818delGG).
Protein change: p.Gly273fs; shifts the reading frame from glycine 273.
Molecular consequence: frameshift variant.
Genome position (GRCh38, 1-based): chr3:128,485,780-128,485,781, CC deleted on the plus strand (GG on the coding strand, the reverse complement: GATA2 is on the minus strand); deleting any 2 consecutive bases within chr3:128,485,780-128,485,785 gives the same sequence; the c. name uses the placement nearest the transcript's 3' end. VCF-style (leftmost placement, unchanged base first): chr3-128485779-TCC-T. GRCh37 (hg19) VCF-style: chr3-128204622-TCC-T.
Other names: c.817_818del, p.Gly273fs (NM_001145661.2, NM_001145662.1); short protein forms G273fs.
Identifiers: ClinVar variation 1184234 (VCV001184234.1), dbSNP rs1559986946, ClinGen allele CA1139532796.

ClinVar aggregate classification (germline): Pathogenic (1 of 4 stars; one submission).

Conditions:
Deafness-lymphedema-leukemia syndrome. Also called: Emberger syndrome; Lymphedema, primary, with myelodysplasia. Identifiers: Orphanet 3226, MedGen C3279664, MONDO:0013540, OMIM 614038.
GATA2 deficiency with susceptibility to MDS/AML. Identifiers: MedGen CN300066, MONDO:0042982.

Submission:

Molecular Pathology Research Laboratory, SA Pathology
Classification: Pathogenic for GATA2 deficiency with susceptibility to MDS/AML; Deafness-lymphedema-leukemia syndrome. Last evaluated: 2021-07-06. Review status: criteria provided, single submitter. Criteria: ACMG Guidelines, 2015. Collection method: curation. Allele origin: unknown. Inheritance: Autosomal dominant inheritance. Affected: yes. Observed: 2 variant alleles.
Comment: PVS1, PS4_Moderate, PM2

Literature cited by the submitters: PubMed 32088370.